The following is an entry in ClinVar:

NM_015557.3(CHD5):c.1721del (p.Leu574fs)

Gene: CHD5 (chromodomain helicase DNA binding protein 5; minus strand). Cytogenetic location: 1p36.31.
Variant type: Deletion.
Coding change: c.1721del on transcript NM_015557.3 (MANE Select); coding-DNA position 1721, one base deleted (T; older notation c.1721delT).
Protein change: p.Leu574fs; shifts the reading frame from leucine 574.
Molecular consequence: frameshift variant.
Genome position (GRCh38, 1-based): chr1:6,146,293, A deleted on the plus strand (T on the coding strand, the reverse complement: CHD5 is on the minus strand). VCF-style (leftmost placement, unchanged base first): chr1-6146292-GA-G. GRCh37 (hg19) VCF-style: chr1-6206352-GA-G.
Other names: short protein forms L574fs.
Identifiers: ClinVar variation 3376973 (VCV003376973.1).

ClinVar aggregate classification (germline): Pathogenic (1 of 4 stars; one submission).

Conditions:
Parenti-mignot neurodevelopmental syndrome. Identifiers: MedGen C5676984, MONDO:0859249, OMIM 619873.

Submission:

Victorian Clinical Genetics Services, Murdoch Childrens Research Institute
Classification: Pathogenic for Parenti-mignot neurodevelopmental syndrome. Last evaluated: 2024-10-09. Review status: criteria provided, single submitter. Criteria: ACMG Guidelines, 2015. Collection method: clinical testing. Allele origin: germline. Inheritance: Autosomal dominant inheritance. Affected: yes.
Comment: Based on the classification scheme VCGS_Germline_v1.3.4, this variant is classified as Pathogenic. Following criteria are met: 0102 - Loss of function is a known mechanism of disease in this gene and is associated with Parenti-Mignot neurodevelopmental syndrome (MIM#619873). (I) 0107 - This gene is associated with autosomal dominant disease. (I) 0112 - The condition associated with this gene has incomplete penetrance, with a single family reported (PMID: 33944996). (I) 0115 - Variants in this gene are known to have variable expressivity. Intra-familial variability has been reported (PMID: 33944996). (I) 0201 - Variant is predicted to cause nonsense-mediated decay (NMD) and loss of protein (premature termination codon is located at least 54 nucleotides upstream of the final exon-exon junction). (SP) 0251 - This variant is heterozygous. (I) 0301 - Variant is absent from gnomAD (both v2 and v3). (SP) 0701 - Other NMD-predicted variants comparable to the one identified in this case have very strong previous evidence for pathogenicity (DECIPHER). (SP) 0807 - This variant has no previous evidence of pathogenicity. (I) 0905 - No published segregation evidence has been identified for this variant. (I) 1007 - No published functional evidence has been identified for this variant. (I) Legend: (SP) - Supporting pathogenic, (I) - Information, (SB) - Supporting benign

Literature cited by the submitters: PubMed 33944996.